The following is an entry in ClinVar:

ClinVar aggregate classification (germline): Likely benign. Review status: criteria provided, multiple submitters, no conflicts (2 of 4 stars). 3 submissions from 3 submitters: Likely benign (2). 1 of the submissions does not count toward it. Last evaluated 2019-12-31.

Conditions:
TTC28-related disorder. Also called: TTC28-related condition.

Allele frequency attached by ClinVar (database versions not stated): 1000 Genomes Project 0.00040; ESP Exome Variant Server 0.00044; ExAC 0.00046; 1000 Genomes Project 30x 0.00047; gnomAD exomes 0.00077 and 0.00164; TOPMed 0.00086; gnomAD 0.00098 and 0.00101.
gnomAD v4.1: 2,428 of 1,550,836 alleles (0.16%); highest among the groups gnomAD compares: Non-Finnish European, 0.2%; 6 homozygotes.

Submissions (3):

Labcorp Genetics (formerly Invitae), Labcorp
Classification: Likely benign. Last evaluated: 2019-12-31. Review status: criteria provided, single submitter. Criteria: Invitae Variant Classification Sherloc (09022015). Collection method: clinical testing. Allele origin: germline.

Breakthrough Genomics
Classification: Likely benign. Review status: criteria provided, single submitter. Criteria: ACMG Guidelines, 2015. Collection method: not provided. Allele origin: germline. Inheritance: Unknown mechanism. Affected: yes.

PreventionGenetics, part of Exact Sciences
Classification: Likely benign for TTC28-related condition. Last evaluated: 2019-12-16. Review status: no assertion criteria provided. Collection method: clinical testing. Allele origin: germline. Not counted in ClinVar's aggregate classification.
Comment: This variant is classified as likely benign based on ACMG/AMP sequence variant interpretation guidelines (Richards et al. 2015 PMID: 25741868, with internal and published modifications).

NM_001145418.2(TTC28):c.891C>T (p.His297=)

Gene: TTC28 (tetratricopeptide repeat domain 28; minus strand). Cytogenetic location: 22q12.1.
Variant type: single nucleotide variant.
Coding change: c.891C>T on transcript NM_001145418.2 (MANE Select); coding-DNA position 891, C replaced by T.
Protein change: p.His297=; no amino-acid change (histidine 297 retained).
Molecular consequence: synonymous variant.
Genome position (GRCh38, 1-based): chr22:28,296,240, G>A on the plus strand (C>T on the coding strand, the complement: TTC28 is on the minus strand). VCF-style: chr22-28296240-G-A. GRCh37 (hg19) VCF-style: chr22-28692228-G-A.
Other names: c.891C>T, p.His297= (NM_001393403.1); c.537C>T, p.His179= (NM_001393404.1, NM_001393405.1).
Identifiers: ClinVar variation 732728 (VCV000732728.7), dbSNP rs190988568, ClinGen allele CA10167523.